The following is an entry in ClinVar:

NC_000012.11:g.(?_103232953)_(103240749_?)del

Gene: PAH (phenylalanine hydroxylase; minus strand). Cytogenetic location: 12q23.2.
Variant type: Deletion.
Identifiers: ClinVar variation 3244241 (VCV003244241.1).

ClinVar aggregate classification (germline): Pathogenic (1 of 4 stars; one submission).

Conditions:
Phenylketonuria (PKU). Also called: FOLLING DISEASE; OLIGOPHRENIA PHENYLPYRUVICA; Phenylketonurias; Phenylketonuria (PKU). Identifiers: Orphanet 716, MedGen C0031485, MONDO:0009861, OMIM 261600. Disease mechanism: loss of function.

Submission:

Labcorp Genetics (formerly Invitae), Labcorp
Classification: Pathogenic for Phenylketonuria. Last evaluated: 2023-03-14. Review status: criteria provided, single submitter. Criteria: Invitae Variant Classification Sherloc (09022015). Collection method: clinical testing. Allele origin: unknown.
Comment: For these reasons, this variant has been classified as Pathogenic. This variant disrupts a region of the PAH protein in which other variant(s) (p.Ala447Asp) have been determined to be pathogenic (PMID: 9540801, 10429004, 12173030). This suggests that this is a clinically significant region of the protein, and that variants that disrupt it are likely to be disease-causing. A similar copy number variant has been observed in individual(s) with hyperphenylalaninemia (PMID: 9427161). This variant is a gross deletion of the genomic region encompassing exon(s) 9-13 of the PAH gene, which includes the termination codon. This deletion extends beyond the assayed region for this gene and therefore may encompass additional genes. While this deletion is not anticipated to lead to nonsense mediated decay, it is expected to alter mRNA translation or result in a truncated protein product.

Literature cited by the submitters: PubMed 9540801; PubMed 10429004; PubMed 12173030; PubMed 9427161.